The following is an entry in ClinVar:

NM_015158.5(KANK1):c.2020A>G (p.Ser674Gly)

Gene: KANK1 (KN motif and ankyrin repeat domains 1; plus strand). Cytogenetic location: 9p24.3.
Variant type: single nucleotide variant.
Coding change: c.2020A>G on transcript NM_015158.5 (MANE Select); coding-DNA position 2020, A replaced by G.
Protein change: p.Ser674Gly; replaces serine 674 with glycine.
Molecular consequence: missense variant. On other transcripts: non-coding transcript variant (1).
Genome position (GRCh38, 1-based): chr9:712,786, A>G. VCF-style: chr9-712786-A-G. GRCh37 (hg19) VCF-style: chr9-712786-A-G.
Other names: c.2020A>G, p.Ser674Gly (NM_001256876.3, NM_001256877.3, NM_001354331.2 and 2 more transcripts); c.1546A>G, p.Ser516Gly (NM_001354333.2, NM_001354335.2, NM_001354336.2 and 9 more transcripts); c.2020A>G (NM_015158.2); short protein forms S674G, S516G.
Identifiers: ClinVar variation 1033737 (VCV001033737.2), dbSNP rs1826539628, ClinGen allele CA372749424.

ClinVar aggregate classification (germline): Uncertain significance. Review status: criteria provided, multiple submitters, no conflicts (2 of 4 stars). 2 submissions from 2 submitters: Uncertain significance (2). Last evaluated 2024-04-22.

Conditions:
Cerebral palsy, spastic quadriplegic, 2 (CPSQ2). Identifiers: Orphanet 210141, MedGen C2752061, MONDO:0013033, OMIM 612900.

Allele frequency attached by ClinVar (database versions not stated): TOPMed 0.00002.

Submissions (2):

Ambry Genetics
Classification: Uncertain significance. Last evaluated: 2024-04-22. Review status: criteria provided, single submitter. Criteria: Ambry Variant Classification Scheme 2023. Collection method: clinical testing. Allele origin: germline.

Baylor Genetics
Classification: Uncertain significance for Cerebral palsy, spastic quadriplegic, 2. Last evaluated: 2018-08-14. Review status: criteria provided, single submitter. Criteria: ACMG Guidelines, 2015. Collection method: clinical testing. Allele origin: unknown. Affected: yes.
Comment: This variant was determined to be of uncertain significance according to ACMG Guidelines, 2015 [PMID:25741868].